The following is an entry in ClinVar:

ClinVar aggregate classification (germline): Pathogenic (1 of 4 stars; one submission).

Conditions:
Ellis-van Creveld syndrome (EVC). Also called: MESOECTODERMAL DYSPLASIA; Chondroectodermal dysplasia. Identifiers: Orphanet 289, MedGen C0013903, MONDO:0009162, OMIM 225500.

Submission:

Myriad Genetics, Inc.
Classification: Pathogenic for Ellis-van Creveld syndrome. Last evaluated: 2023-09-27. Review status: criteria provided, single submitter. Criteria: Myriad Autosomal Dominant, Autosomal Recessive and X-Linked Classification Criteria (2023). Collection method: clinical testing. Allele origin: unknown.
Comment: NM_153717.2(EVC):c.2172dupG(L725Afs*42) is expected to be pathogenic in the context of EVC-related Ellis-van Creveld syndrome. This variant is predicted to lead to an abnormal or absent protein product due to the creation of a premature termination codon in EVC, a gene where loss-of-function variants are known to be pathogenic. Please note: this variant was assessed in the context of healthy population screening.

NM_153717.3(EVC):c.2172dup (p.Leu725fs)

Gene: EVC (EvC ciliary complex subunit 1; plus strand). Cytogenetic location: 4p16.2.
Variant type: Duplication.
Coding change: c.2172dup on transcript NM_153717.3 (MANE Select); coding-DNA position 2172, one base duplicated (G; older notation c.2172dupG).
Protein change: p.Leu725fs; shifts the reading frame from leucine 725.
Molecular consequence: frameshift variant.
Genome position (GRCh38, 1-based): chr4:5,798,660, G duplicated; the last of 2 consecutive G bases (chr4:5,798,659-5,798,660); duplicating either gives the same sequence. VCF-style (leftmost placement, unchanged base first): chr4-5798658-C-CG. GRCh37 (hg19) VCF-style: chr4-5800385-C-CG.
Other names: c.2172dup, p.Leu725fs (NM_001306090.2); short protein forms L725fs.
Identifiers: ClinVar variation 5011935 (VCV005011935.1).